The following is an entry in ClinVar:

ClinVar aggregate classification (germline): Conflicting classifications of pathogenicity. Review status: criteria provided, conflicting classifications (1 of 4 stars). 6 submissions from 6 submitters: Uncertain significance (5); Likely benign (1). Last evaluated 2026-09-24.

Conditions:
Optic atrophy. Identifiers: MedGen C0029124, MONDO:0003608, HP:0000648.
Usher syndrome type 2C. Also called: Usher syndrome, type 2B; USHER SYNDROME, TYPE IIC. Identifiers: Orphanet 231178, Orphanet 886, MedGen C2931213, MONDO:0011558, OMIM 605472.
Febrile seizures, familial, 4 (FEB4). Also called: CONVULSIONS, FAMILIAL FEBRILE, 4. Identifiers: MedGen C1858493, MONDO:0011443, OMIM 604352.

Allele frequency attached by ClinVar (database versions not stated): TOPMed 0.00019; 1000 Genomes Project 0.00040; 1000 Genomes Project 30x 0.00047; gnomAD 0.00022; ESP Exome Variant Server 0.00008.
gnomAD v4.1: 40 of 1,613,462 alleles (0.0025%); highest among the groups gnomAD compares: African/African-American, 0.049%; no homozygotes.

Submissions (6):

GeneDx
Classification: Uncertain significance. Last evaluated: 2026-09-24. Review status: criteria provided, single submitter. Criteria: GeneDx Variant Classification Process June 2021. Collection method: clinical testing. Allele origin: germline.
Comment: Identified as a single heterozygous variant in a patient also heterozygous for a 16p12.1 deletion in published literature (PMID: 30190612) but additional evidence is not available; In silico analysis suggests that this missense variant does not alter protein structure/function; This variant is associated with the following publications: (PMID: 30190612)

Labcorp Genetics (formerly Invitae), Labcorp
Classification: Likely benign. Last evaluated: 2025-12-06. Review status: criteria provided, single submitter. Criteria: Invitae Variant Classification Sherloc (09022015). Collection method: clinical testing. Allele origin: germline.

Blueprint Genetics
Classification: Uncertain significance. Last evaluated: 2022-07-20. Review status: criteria provided, single submitter. Criteria: ACMG Guidelines, 2015. Collection method: clinical testing. Allele origin: germline.

Institute of Human Genetics, Univ. Regensburg, Univ. Regensburg
Classification: Uncertain significance for Optic atrophy. Last evaluated: 2022-01-01. Review status: criteria provided, single submitter. Criteria: ACMG Guidelines, 2015. Collection method: clinical testing. Allele origin: germline. Affected: yes.

Fulgent Genetics
Classification: Uncertain significance for Febrile seizures, familial, 4; Usher syndrome type 2C. Last evaluated: 2018-10-31. Review status: criteria provided, single submitter. Criteria: ACMG Guidelines, 2015. Collection method: clinical testing. Allele origin: unknown.

ARUP Laboratories, Molecular Genetics and Genomics, ARUP Laboratories
Classification: Uncertain significance. Last evaluated: 2016-11-02. Review status: criteria provided, single submitter. Criteria: ARUP Molecular Germline Variant Investigation Process. Collection method: clinical testing. Allele origin: germline.

Literature cited by the submitters: PubMed 30190612 (cited by Institute of Human Genetics, Univ. Regensburg, Univ. Regensburg).

NM_032119.4(ADGRV1):c.12982G>A (p.Glu4328Lys)

Gene: ADGRV1 (adhesion G protein-coupled receptor V1; plus strand). Cytogenetic location: 5q14.3.
Variant type: single nucleotide variant.
Coding change: c.12982G>A on transcript NM_032119.4 (MANE Select); coding-DNA position 12982, G replaced by A.
Protein change: p.Glu4328Lys; replaces glutamic acid 4328 with lysine.
Molecular consequence: missense variant. On other transcripts: non-coding transcript variant (1).
Genome position (GRCh38, 1-based): chr5:90,778,997, G>A. VCF-style: chr5-90778997-G-A. GRCh37 (hg19) VCF-style: chr5-90074814-G-A.
Other names: short protein forms E4328K.
Identifiers: ClinVar variation 439392 (VCV000439392.23), dbSNP rs182452385, ClinGen allele CA3341390.